The following is an entry in ClinVar:

NM_000540.3(RYR1):c.13331G>A (p.Gly4444Asp)

Genes: RYR1 (ryanodine receptor 1; plus strand), LOC130064357 (ATAC-STARR-seq lymphoblastoid silent region 10577; plus strand). Cytogenetic location: 19q13.2.
Variant type: single nucleotide variant.
Coding change: c.13331G>A on transcript NM_000540.3 (MANE Select); coding-DNA position 13331, G replaced by A.
Protein change: p.Gly4444Asp; replaces glycine 4444 with aspartic acid.
Molecular consequence: missense variant.
Genome position (GRCh38, 1-based): chr19:38,565,665, G>A. VCF-style: chr19-38565665-G-A. GRCh37 (hg19) VCF-style: chr19-39056305-G-A.
Other names: c.13316G>A, p.Gly4439Asp (NM_001042723.2); short protein forms G4439D, G4444D.
Identifiers: ClinVar variation 3626618 (VCV003626618.2).

ClinVar aggregate classification (germline): Uncertain significance (1 of 4 stars; one submission).

Conditions:
RYR1-related disorder. Also called: RYR1-related condition; RYR1-related disorders. Identifiers: MedGen CN239331.

gnomAD v4.1: 2 of 1,391,456 alleles (0.00014%); highest among the groups gnomAD compares: Non-Finnish European, 0.00018%; no homozygotes.

Submission:

Labcorp Genetics (formerly Invitae), Labcorp
Classification: Uncertain significance for RYR1-related disorder. Last evaluated: 2024-02-20. Review status: criteria provided, single submitter. Criteria: Invitae Variant Classification Sherloc (09022015). Collection method: clinical testing. Allele origin: germline.
Comment: This sequence change replaces glycine, which is neutral and non-polar, with aspartic acid, which is acidic and polar, at codon 4444 of the RYR1 protein (p.Gly4444Asp). This variant is not present in population databases (gnomAD no frequency). This variant has not been reported in the literature in individuals affected with RYR1-related conditions. Advanced modeling of protein sequence and biophysical properties (such as structural, functional, and spatial information, amino acid conservation, physicochemical variation, residue mobility, and thermodynamic stability) has been performed at Invitae for this missense variant, however the output from this modeling did not meet the statistical confidence thresholds required to predict the impact of this variant on RYR1 protein function. In summary, the available evidence is currently insufficient to determine the role of this variant in disease. Therefore, it has been classified as a Variant of Uncertain Significance.